The following is an entry in ClinVar:

NM_001012338.3(NTRK3):c.610A>T (p.Ile204Phe)

Gene: NTRK3 (neurotrophic receptor tyrosine kinase 3; minus strand). Cytogenetic location: 15q25.3.
Variant type: single nucleotide variant.
Coding change: c.610A>T on transcript NM_001012338.3 (MANE Select); coding-DNA position 610, A replaced by T.
Protein change: p.Ile204Phe; replaces isoleucine 204 with phenylalanine.
Molecular consequence: missense variant.
Genome position (GRCh38, 1-based): chr15:88,137,416, T>A on the plus strand (A>T on the coding strand, the complement: NTRK3 is on the minus strand). VCF-style: chr15-88137416-T-A. GRCh37 (hg19) VCF-style: chr15-88680647-T-A.
Other names: c.610A>T, p.Ile204Phe (NM_001007156.3, NM_001243101.2, NM_001320134.1 and 6 more transcripts); c.316A>T, p.Ile106Phe (NM_001320135.2); short protein forms I106F, I204F.
Identifiers: ClinVar variation 4559510 (VCV004559510.1).

ClinVar aggregate classification (germline): Uncertain significance (1 of 4 stars; one submission).

gnomAD v4.1: 3 of 1,613,904 alleles (0.00019%); highest among the groups gnomAD compares: South Asian, 0.0033%; no homozygotes.

Submission:

Ambry Genetics
Classification: Uncertain significance. Last evaluated: 2025-11-06. Review status: criteria provided, single submitter. Criteria: Ambry Variant Classification Scheme 2023. Collection method: clinical testing. Allele origin: germline.
Comment: The c.610A>T (p.I204F) alteration is located in exon 7 (coding exon 5) of the NTRK3 gene. This alteration results from a A to T substitution at nucleotide position 610, causing the isoleucine (I) at amino acid position 204 to be replaced by a phenylalanine (F). Based on data from gnomAD, the T allele has an overall frequency of <0.001% (1/251038) total alleles studied. The highest observed frequency was 0.003% (1/30612) of South Asian alleles. Based on insufficient or conflicting evidence, the clinical significance of this alteration remains unclear.